The following is an entry in ClinVar:

NM_006950.3(SYN1):c.1330T>G (p.Leu444Val)

Gene: SYN1 (synapsin I; minus strand). Cytogenetic location: Xp11.3.
Variant type: single nucleotide variant.
Coding change: c.1330T>G on transcript NM_006950.3 (MANE Select); coding-DNA position 1330, T replaced by G.
Protein change: p.Leu444Val; replaces leucine 444 with valine.
Molecular consequence: missense variant.
Genome position (GRCh38, 1-based): chrX:47,574,751, A>C on the plus strand (T>G on the coding strand, the complement: SYN1 is on the minus strand). VCF-style: chrX-47574751-A-C. GRCh37 (hg19) VCF-style: chrX-47434150-A-C.
Other names: c.1330T>G, p.Leu444Val (NM_133499.2); short protein forms L444V.
Identifiers: ClinVar variation 2904077 (VCV002904077.3), dbSNP rs1005440627, ClinGen allele CA329057524.
Genomic context (GRCh38, chrX:47,574,751, plus strand): 5'-GTGGTGGGGGTCGCTGCTGAGCCGGGGGCCCTGCGGGCTGCTGGGAGGTCTGGCGGCCCA[A>C]GGGCAGGGCCCCTGGGGACGGAGTCTGCGGCAGAGGAATGGAGCAGGAGAGGTTAAAAAT-3'
Protein context (NP_008881.2, residues 434-454): GQTPSPGALP[Leu444Val]GRQTSQQPAG

ClinVar aggregate classification (germline): Uncertain significance (1 of 4 stars; one submission).

Conditions:
Epilepsy, X-linked 1, with variable learning disabilities and behavior disorders. Also called: X-linked epilepsy-learning disabilities-behavior disorders syndrome. Identifiers: Orphanet 85294, MedGen C5774177, MONDO:0010339, OMIM 300491.

Submission:

Labcorp Genetics (formerly Invitae), Labcorp
Classification: Uncertain significance for Epilepsy, X-linked 1, with variable learning disabilities and behavior disorders. Last evaluated: 2023-06-19. Review status: criteria provided, single submitter. Criteria: Invitae Variant Classification Sherloc (09022015). Collection method: clinical testing. Allele origin: germline.
Comment: In summary, the available evidence is currently insufficient to determine the role of this variant in disease. Therefore, it has been classified as a Variant of Uncertain Significance. Algorithms developed to predict the effect of missense changes on protein structure and function output the following: SIFT: "Not Available"; PolyPhen-2: "Benign"; Align-GVGD: "Not Available". The valine amino acid residue is found in multiple mammalian species, which suggests that this missense change does not adversely affect protein function. This variant has not been reported in the literature in individuals affected with SYN1-related conditions. This variant is not present in population databases (gnomAD no frequency). This sequence change replaces leucine, which is neutral and non-polar, with valine, which is neutral and non-polar, at codon 444 of the SYN1 protein (p.Leu444Val).